The following is an entry in ClinVar:

NM_130839.5(UBE3A):c.1428dup (p.Cys477fs)

Genes: SNHG14 (small nucleolar RNA host gene 14; plus strand), UBE3A (ubiquitin protein ligase E3A; minus strand). Cytogenetic location: 15q11.2.
Variant type: Duplication.
Coding change: c.1428dup on transcript NM_130839.5 (MANE Select); coding-DNA position 1428, one base duplicated (A; older notation c.1428dupA).
Protein change: p.Cys477fs; shifts the reading frame from cysteine 477.
Molecular consequence: frameshift variant. On other transcripts: intron variant (2), non-coding transcript variant (1).
Genome position (GRCh38, 1-based): chr15:25,370,746, T duplicated on the plus strand (A on the coding strand, the reverse complement: UBE3A is on the minus strand). VCF-style (leftmost placement, unchanged base first): chr15-25370745-A-AT. GRCh37 (hg19) VCF-style: chr15-25615892-A-AT.
Other names: c.1437dup, p.Cys480fs (NM_000462.5); c.1428dup, p.Cys477fs (NM_001354505.1, NM_001354538.2, NM_001354545.2); c.1368dup, p.Cys457fs (NM_001354506.2, NM_001354507.2, NM_001354508.2 and 17 more transcripts); c.301+4719dup (NM_001354551.2); c.361+4719dup (NM_001354550.2); c.1251dup, p.Cys418fs (NM_001354546.2); short protein forms C418fs, C457fs, C477fs, C480fs.
Identifiers: ClinVar variation 2853931 (VCV002853931.3), dbSNP rs2552191496, ClinGen allele CA2739278477.

ClinVar aggregate classification (germline): Pathogenic (1 of 4 stars; one submission).

Conditions:
Angelman syndrome (AS). Also called: HAPPY PUPPET SYNDROME. Identifiers: Orphanet 72, MedGen C0162635, MONDO:0007113, OMIM 105830. Disease mechanism: loss of function. Inheritance: AS is caused by disruption of maternally imprinted UBE3A located within the 15q11.2-q13 Angelman syndrome/Prader-Willi syndrome (AS/PWS) region., imprinting disorder.

Submission:

Labcorp Genetics (formerly Invitae), Labcorp
Classification: Pathogenic for Angelman syndrome. Last evaluated: 2023-04-09. Review status: criteria provided, single submitter. Criteria: Invitae Variant Classification Sherloc (09022015). Collection method: clinical testing. Allele origin: germline.
Comment: For these reasons, this variant has been classified as Pathogenic. This variant has not been reported in the literature in individuals affected with UBE3A-related conditions. This variant is not present in population databases (gnomAD no frequency). This sequence change creates a premature translational stop signal (p.Cys457Metfs*17) in the UBE3A gene. It is expected to result in an absent or disrupted protein product. Loss-of-function variants in UBE3A are known to be pathogenic (PMID: 25212744).

Literature cited by the submitters: PubMed 25212744.